The following is an entry in ClinVar:

NM_178009.5(DGKH):c.1584G>A (p.Lys528=)

Gene: DGKH (diacylglycerol kinase eta; plus strand). Cytogenetic location: 13q14.11.
Variant type: single nucleotide variant.
Coding change: c.1584G>A on transcript NM_178009.5 (MANE Select); coding-DNA position 1584, G replaced by A.
Protein change: p.Lys528=; no amino-acid change (lysine 528 retained).
Molecular consequence: synonymous variant. On other transcripts: non-coding transcript variant (2).
Genome position (GRCh38, 1-based): chr13:42,187,094, G>A. VCF-style: chr13-42187094-G-A. GRCh37 (hg19) VCF-style: chr13-42761230-G-A.
Other names: c.1584G>A, p.Lys528= (NM_001204504.3, NM_152910.6); c.1176G>A, p.Lys392= (NM_001204505.3, NM_001204506.3); c.849G>A, p.Lys283= (NM_001297429.2).
Identifiers: ClinVar variation 2643790 (VCV002643790.24), dbSNP rs41288303, ClinGen allele CA483492280.

ClinVar aggregate classification (germline): Likely benign (1 of 4 stars; one submission).

gnomAD v4.1: 2 of 1,614,098 alleles (0.00012%); highest among the groups gnomAD compares: East Asian, 0.0022%; no homozygotes.

Submission:

CeGaT Center for Human Genetics Tuebingen
Classification: Likely benign. Last evaluated: 2022-04-01. Review status: criteria provided, single submitter. Criteria: CeGaT Center For Human Genetics Tuebingen Variant Classification Criteria Version 2. Collection method: clinical testing. Allele origin: germline. Affected: yes. Observed: 1 variant allele.
Comment: DGKH: PM2:Supporting, BP4, BP7